The following is an entry in ClinVar:

NM_006662.3(SRCAP):c.6901del (p.Glu2301fs)

Gene: SRCAP (Snf2 related CREBBP activator protein; plus strand). Cytogenetic location: 16p11.2.
Variant type: Deletion.
Coding change: c.6901del on transcript NM_006662.3 (MANE Select); coding-DNA position 6901, one base deleted (G; older notation c.6901delG).
Protein change: p.Glu2301fs; shifts the reading frame from glutamic acid 2301.
Molecular consequence: frameshift variant.
Genome position (GRCh38, 1-based): chr16:30,736,371, G deleted; the last of 2 consecutive G bases (chr16:30,736,370-30,736,371); deleting either gives the same sequence. VCF-style (leftmost placement, unchanged base first): chr16-30736369-AG-A. GRCh37 (hg19) VCF-style: chr16-30747690-AG-A.
Other names: c.6901del (NM_006662.2); c.6901delG (NM_006662.2); short protein forms E2301fs.
Identifiers: ClinVar variation 995430 (VCV000995430.3), dbSNP rs2151299633, ClinGen allele CA2499223495.

ClinVar aggregate classification (germline): Pathogenic. Review status: criteria provided, single submitter (1 of 4 stars). 2 submissions from 2 submitters: Pathogenic (1). 1 of the submissions does not count toward it. Last evaluated 2023-05-22.

Conditions:
Neurodevelopmental disorder. Identifiers: MedGen C1535926, MeSH D065886, MONDO:0700092.

Submissions (2):

GeneDx
Classification: Pathogenic. Last evaluated: 2023-05-22. Review status: criteria provided, single submitter. Criteria: GeneDx Variant Classification Process June 2021. Collection method: clinical testing. Allele origin: germline. Affected: yes.
Comment: Frameshift variant predicted to result in protein truncation or nonsense mediated decay in a gene for which loss of function is a known mechanism of disease; Not observed at significant frequency in large population cohorts (gnomAD); This variant is associated with the following publications: (PMID: 33909990)

Joint Genome Diagnostic Labs from Nijmegen and Maastricht, Radboudumc and MUMC+
Classification: Likely pathogenic for Neurodevelopmental disorder. Last evaluated: 2021-01-10. Review status: no assertion criteria provided. Collection method: research. Allele origin: de novo. Affected: yes. Not counted in ClinVar's aggregate classification.

Literature cited by the submitters: PubMed 33909990 (cited by Joint Genome Diagnostic Labs from Nijmegen and Maastricht, Radboudumc and MUMC+).